The following is an entry in ClinVar:

ClinVar aggregate classification (germline): Pathogenic (1 of 4 stars; one submission).

gnomAD v4.1: 1 of 1,613,972 alleles (0.000062%); highest among the groups gnomAD compares: Middle Eastern, 0.017%; no homozygotes.

Submission:

Labcorp Genetics (formerly Invitae), Labcorp
Classification: Pathogenic. Last evaluated: 2025-02-14. Review status: criteria provided, single submitter. Criteria: Invitae Variant Classification Sherloc (09022015). Collection method: clinical testing. Allele origin: germline.
Comment: This sequence change replaces cysteine, which is neutral and slightly polar, with serine, which is neutral and polar, at codon 165 of the IL6R protein (p.Cys165Ser). This variant is not present in population databases (gnomAD no frequency). This missense change has been observed in individual(s) with IL6R-related conditions (PMID: 31778705). It has also been observed to segregate with disease in related individuals. An algorithm developed to predict the effect of missense changes on protein structure and function (PolyPhen-2) suggests that this variant is likely to be disruptive. Experimental studies have shown that this missense change affects IL6R function (PMID: 31778705). For these reasons, this variant has been classified as Pathogenic.

Literature cited by the submitters: PubMed 31778705.

NM_000565.4(IL6R):c.494G>C (p.Cys165Ser)

Gene: IL6R (interleukin 6 receptor; plus strand). Cytogenetic location: 1q21.3.
Variant type: single nucleotide variant.
Coding change: c.494G>C on transcript NM_000565.4 (MANE Select); coding-DNA position 494, G replaced by C.
Protein change: p.Cys165Ser; replaces cysteine 165 with serine.
Molecular consequence: missense variant.
Genome position (GRCh38, 1-based): chr1:154,434,554, G>C. VCF-style: chr1-154434554-G-C. GRCh37 (hg19) VCF-style: chr1-154407030-G-C.
Other names: c.494G>C, p.Cys165Ser (NM_181359.3, NM_001206866.2, NM_001382769.1 and 4 more transcripts); c.134G>C, p.Cys45Ser (NM_001382774.1); short protein forms C165S, C45S.
Identifiers: ClinVar variation 3609111 (VCV003609111.2).